The following is an entry in ClinVar:

ClinVar aggregate classification (germline): Uncertain significance. Review status: criteria provided, multiple submitters, no conflicts (2 of 4 stars). 2 submissions from 2 submitters: Uncertain significance (2). Last evaluated 2026-02-25.

Submissions (2):

GeneDx
Classification: Uncertain significance. Last evaluated: 2026-02-25. Review status: criteria provided, single submitter. Criteria: GeneDx Variant Classification Process June 2021. Collection method: clinical testing. Allele origin: germline.
Comment: In silico analysis supports that this missense variant has a deleterious effect on protein structure/function; Has not been previously published as pathogenic or benign to our knowledge

Labcorp Genetics (formerly Invitae), Labcorp
Classification: Uncertain significance. Last evaluated: 2025-10-08. Review status: criteria provided, single submitter. Criteria: Invitae Variant Classification Sherloc (09022015). Collection method: clinical testing. Allele origin: germline.
Comment: This sequence change replaces arginine, which is basic and polar, with histidine, which is basic and polar, at codon 1092 of the PIK3C2A protein (p.Arg1092His). This variant is present in population databases (rs138330827, gnomAD 0.05%). This variant has not been reported in the literature in individuals affected with PIK3C2A-related conditions. ClinVar contains an entry for this variant (Variation ID: 2066147). Experimental studies and prediction algorithms are not available or were not evaluated, and the functional significance of this variant is currently unknown. In summary, the available evidence is currently insufficient to determine the role of this variant in disease. Therefore, it has been classified as a Variant of Uncertain Significance.

NM_002645.4(PIK3C2A):c.3275G>A (p.Arg1092His)

Gene: PIK3C2A (phosphatidylinositol-4-phosphate 3-kinase catalytic subunit type 2 alpha; minus strand). Cytogenetic location: 11p15.1.
Variant type: single nucleotide variant.
Coding change: c.3275G>A on transcript NM_002645.4 (MANE Select); coding-DNA position 3275, G replaced by A.
Protein change: p.Arg1092His; replaces arginine 1092 with histidine.
Molecular consequence: missense variant.
Genome position (GRCh38, 1-based): chr11:17,114,407, C>T on the plus strand (G>A on the coding strand, the complement: PIK3C2A is on the minus strand). VCF-style: chr11-17114407-C-T. GRCh37 (hg19) VCF-style: chr11-17135954-C-T.
Other names: c.3275G>A, p.Arg1092His (NM_001321378.2); c.2135G>A, p.Arg712His (NM_001321380.2); c.3107G>A, p.Arg1036His (NM_001386870.1); c.3275G>A (NM_002645.3); short protein forms R1092H, R1036H, R712H.
Identifiers: ClinVar variation 2066147 (VCV002066147.4), dbSNP rs138330827, ClinGen allele CA5900833.